The following is an entry in ClinVar:

NM_000136.3(FANCC):c.1546G>T (p.Ala516Ser)

Genes: FANCC (FA complementation group C; minus strand), AOPEP (aminopeptidase O (putative); plus strand). Cytogenetic location: 9q22.32.
Variant type: single nucleotide variant.
Coding change: c.1546G>T on transcript NM_000136.3 (MANE Select); coding-DNA position 1546, G replaced by T.
Protein change: p.Ala516Ser; replaces alanine 516 with serine.
Molecular consequence: missense variant.
Genome position (GRCh38, 1-based): chr9:95,101,838, C>A on the plus strand (G>T on the coding strand, the complement: FANCC is on the minus strand). VCF-style: chr9-95101838-C-A. GRCh37 (hg19) VCF-style: chr9-97864120-C-A.
Other names: c.1546G>T, p.Ala516Ser (NM_001243743.2); short protein forms A516S.
Identifiers: ClinVar variation 3848319 (VCV003848319.1).

ClinVar aggregate classification (germline): Uncertain significance (1 of 4 stars; one submission).

Conditions:
Hereditary cancer-predisposing syndrome. Also called: Hereditary neoplastic syndrome; Neoplastic Syndromes, Hereditary; Tumor predisposition; Hereditary Cancer Syndrome. Identifiers: Orphanet 140162, MedGen C0027672, MeSH D009386, MONDO:0015356.

Submission:

Ambry Genetics
Classification: Uncertain significance for Hereditary cancer-predisposing syndrome. Last evaluated: 2025-03-07. Review status: criteria provided, single submitter. Criteria: Ambry Variant Classification Scheme 2023. Collection method: clinical testing. Allele origin: germline.
Comment: The p.A516S variant (also known as c.1546G>T), located in coding exon 14 of the FANCC gene, results from a G to T substitution at nucleotide position 1546. The alanine at codon 516 is replaced by serine, an amino acid with similar properties. This amino acid position is conserved. In addition, this alteration is predicted to be tolerated by in silico analysis. Based on the available evidence, the clinical significance of this variant remains unclear.